The following is an entry in ClinVar:

ClinVar aggregate classification (germline): Uncertain significance (1 of 4 stars; one submission).

Conditions:
Familial adenomatous polyposis 1 (FAP1). Also called: FAMILIAL ADENOMATOUS POLYPOSIS 1, ATTENUATED; POLYPOSIS, ADENOMATOUS INTESTINAL. Identifiers: MedGen C2713442, MONDO:0021056, OMIM 175100. Disease mechanism: loss of function.

gnomAD v4.1: 3 of 605,280 alleles (0.0005%); highest among the groups gnomAD compares: African/African-American, 0.0037%; no homozygotes.

Submission:

Labcorp Genetics (formerly Invitae), Labcorp
Classification: Uncertain significance for Familial adenomatous polyposis 1. Last evaluated: 2024-08-22. Review status: criteria provided, single submitter. Criteria: Invitae Variant Classification Sherloc (09022015). Collection method: clinical testing. Allele origin: germline.
Comment: This variant occurs in a non-coding region of the APC gene. It does not change the encoded amino acid sequence of the APC protein. This variant is not present in population databases (gnomAD no frequency). This variant has not been reported in the literature in individuals affected with APC-related conditions. In summary, the available evidence is currently insufficient to determine the role of this variant in disease. Therefore, it has been classified as a Variant of Uncertain Significance.

NM_001127511.3(APC):c.-163G>T

Gene: APC (APC regulator of Wnt signaling pathway; plus strand). Cytogenetic location: 5q22.2.
Variant type: single nucleotide variant.
Coding change: c.-163G>T on transcript NM_001127511.3; 163 bases upstream of the start codon, G replaced by T.
Molecular consequence: 5 prime UTR variant. On other transcripts: non-coding transcript variant (2).
Genome position (GRCh38, 1-based): chr5:112,707,555, G>T. VCF-style: chr5-112707555-G-T. GRCh37 (hg19) VCF-style: chr5-112043252-G-T.
Other names: c.-346G>T (NM_001354895.2, NM_001407447.1, NM_001407452.1 and 3 more transcripts); c.-163G>T (NM_001354897.2, NM_001354902.2, NM_001407446.1); c.-113G>T (NM_001407448.1, NM_001407450.1, NM_001407457.1 and 1 more transcripts); c.-137G>T (NM_001407453.1); c.-1381G>T (NM_001407470.1, NM_001407472.1).
Identifiers: ClinVar variation 1407266 (VCV001407266.6), dbSNP rs558562104, ClinGen allele CA1080214786.
Genomic context (GRCh38, chr5:112,707,555, plus strand): 5'-TGCGCATTGTAGTCTTCCCACCTCCCACAAGATGGCGGAGGGCAAGTAGCAAGGGGGCGG[G>T]GTGTGGCCGCCGGAAGCCTAGCCGCTGCTCGGGGGGGACCTGCGGGCTCAGGCCCGGGAG-3'